The following is an entry in ClinVar:

ClinVar aggregate classification (germline): Uncertain significance (1 of 4 stars; one submission).

Conditions:
Charcot-Marie-Tooth disease axonal type 2V. Also called: CHARCOT-MARIE-TOOTH NEUROPATHY, TYPE 2V; CHARCOT-MARIE-TOOTH DISEASE, AXONAL, AUTOSOMAL DOMINANT, TYPE 2V. Identifiers: Orphanet 447964, MedGen C5569050, MONDO:0014665, OMIM 616491.
Mucopolysaccharidosis, MPS-III-B (MPS3B). Also called: N-ACETYL-ALPHA-D-GLUCOSAMINIDASE DEFICIENCY; NAGLU DEFICIENCY; SANFILIPPO SYNDROME B; MPS III B; MUCOPOLYSACCHARIDOSIS, TYPE IIIB; MPS IIIB (Sanfilippo Syndrome Type B). Identifiers: Orphanet 79270, MedGen C0086648, MONDO:0009656, OMIM 252920.

Allele frequency attached by ClinVar (database versions not stated): gnomAD exomes below 0.00001.

Submission:

Labcorp Genetics (formerly Invitae), Labcorp
Classification: Uncertain significance for Charcot-Marie-Tooth disease axonal type 2V; Mucopolysaccharidosis, MPS-III-B. Last evaluated: 2022-08-31. Review status: criteria provided, single submitter. Criteria: Invitae Variant Classification Sherloc (09022015). Collection method: clinical testing. Allele origin: germline.
Comment: This variant is not present in population databases (gnomAD no frequency). This sequence change replaces glycine, which is neutral and non-polar, with glutamic acid, which is acidic and polar, at codon 371 of the NAGLU protein (p.Gly371Glu). This variant has not been reported in the literature in individuals affected with NAGLU-related conditions. In summary, the available evidence is currently insufficient to determine the role of this variant in disease. Therefore, it has been classified as a Variant of Uncertain Significance. Advanced modeling of protein sequence and biophysical properties (such as structural, functional, and spatial information, amino acid conservation, physicochemical variation, residue mobility, and thermodynamic stability) performed at Invitae indicates that this missense variant is not expected to disrupt NAGLU protein function.

NM_000263.4(NAGLU):c.1112G>A (p.Gly371Glu)

Gene: NAGLU (N-acetyl-alpha-glucosaminidase; plus strand). Cytogenetic location: 17q21.2.
Variant type: single nucleotide variant.
Coding change: c.1112G>A on transcript NM_000263.4 (MANE Select); coding-DNA position 1112, G replaced by A.
Protein change: p.Gly371Glu; replaces glycine 371 with glutamic acid.
Molecular consequence: missense variant.
Genome position (GRCh38, 1-based): chr17:42,543,118, G>A. VCF-style: chr17-42543118-G-A. GRCh37 (hg19) VCF-style: chr17-40695136-G-A.
Other names: short protein forms G371E.
Identifiers: ClinVar variation 2111354 (VCV002111354.4), dbSNP rs2510658889, ClinGen allele CA399601159.